The following is an entry in ClinVar:

NM_015450.3(POT1):c.117A>T (p.Lys39Asn)

Gene: POT1 (protection of telomeres 1; minus strand). Cytogenetic location: 7q31.33.
Variant type: single nucleotide variant.
Coding change: c.117A>T on transcript NM_015450.3 (MANE Select); coding-DNA position 117, A replaced by T.
Protein change: p.Lys39Asn; replaces lysine 39 with asparagine.
Molecular consequence: missense variant. On other transcripts: 5 prime UTR variant (1), non-coding transcript variant (3).
Genome position (GRCh38, 1-based): chr7:124,892,273, T>A on the plus strand (A>T on the coding strand, the complement: POT1 is on the minus strand). VCF-style: chr7-124892273-T-A. GRCh37 (hg19) VCF-style: chr7-124532327-T-A.
Other names: c.-146A>T (NM_001042594.2); c.117A>T (NM_015450.2); short protein forms K39N.
Identifiers: ClinVar variation 3006844 (VCV003006844.4), dbSNP rs2485562452, ClinGen allele CA369065960.

ClinVar aggregate classification (germline): Conflicting classifications of pathogenicity. Review status: criteria provided, conflicting classifications (1 of 4 stars). 2 submissions from 2 submitters: Uncertain significance (1); Likely benign (1). Last evaluated 2025-03-20.

Conditions:
Tumor predisposition syndrome 3 (TPDS3). Also called: Melanoma, cutaneous malignant, susceptibility to, 10; Glioma susceptibility 9; LONG TELOMERE SYNDROME, POT1-RELATED; POT1 Tumor Predisposition. Identifiers: Orphanet 618, MedGen C4014476, MONDO:0014368, OMIM 615848.
Hereditary cancer-predisposing syndrome. Also called: Neoplastic Syndromes, Hereditary; Hereditary Cancer Syndrome; Hereditary neoplastic syndrome; Tumor predisposition. Identifiers: Orphanet 140162, MedGen C0027672, MeSH D009386, MONDO:0015356.

Allele frequency attached by ClinVar (database versions not stated): gnomAD exomes below 0.00001.
gnomAD v4.1: 1 of 1,525,010 alleles (0.000066%); highest among the groups gnomAD compares: Non-Finnish European, 0.000088%; no homozygotes.

Submissions (2):

Ambry Genetics
Classification: Likely benign for Hereditary cancer-predisposing syndrome. Last evaluated: 2025-03-20. Review status: criteria provided, single submitter. Criteria: Ambry Variant Classification Scheme 2023. Collection method: clinical testing. Allele origin: germline.

Labcorp Genetics (formerly Invitae), Labcorp
Classification: Uncertain significance for Tumor predisposition syndrome 3. Last evaluated: 2022-11-24. Review status: criteria provided, single submitter. Criteria: Invitae Variant Classification Sherloc (09022015). Collection method: clinical testing. Allele origin: germline.
Comment: This sequence change replaces lysine, which is basic and polar, with asparagine, which is neutral and polar, at codon 39 of the POT1 protein (p.Lys39Asn). This variant is not present in population databases (gnomAD no frequency). This variant has not been reported in the literature in individuals affected with POT1-related conditions. Advanced modeling of protein sequence and biophysical properties (such as structural, functional, and spatial information, amino acid conservation, physicochemical variation, residue mobility, and thermodynamic stability) performed at Invitae indicates that this missense variant is not expected to disrupt POT1 protein function. In summary, the available evidence is currently insufficient to determine the role of this variant in disease. Therefore, it has been classified as a Variant of Uncertain Significance.